The following is an entry in ClinVar:

ClinVar aggregate classification (germline): Pathogenic (1 of 4 stars; one submission).

Conditions:
Refsum disease, classic. Also called: HEREDOPATHIA ATACTICA POLYNEURITIFORMIS; HMSN IV; PHYTANIC ACID OXIDASE DEFICIENCY; PHYH-Related Refsum Disease. Identifiers: Orphanet 773, MedGen C5780941, MONDO:1060256, OMIM 266500. Disease mechanism: loss of function.

Submission:

Myriad Genetics, Inc.
Classification: Pathogenic for Refsum disease, classic. Last evaluated: 2024-05-25. Review status: criteria provided, single submitter. Criteria: Myriad Autosomal Dominant, Autosomal Recessive and X-Linked Classification Criteria (2023). Collection method: clinical testing. Allele origin: unknown.
Comment: NM_006214.3(PHYH):c.603delG(N202Tfs*16) is expected to be pathogenic in the context of Refsum disease, PHYH-related. This variant is predicted to lead to an abnormal or absent protein product due to the creation of a premature termination codon in PHYH, a gene where loss-of-function variants are known to be pathogenic. Please note: this variant was assessed in the context of healthy population screening.

NM_006214.4(PHYH):c.603del (p.Asn202fs)

Gene: PHYH (phytanoyl-CoA 2-hydroxylase; minus strand). Cytogenetic location: 10p13.
Variant type: Deletion.
Coding change: c.603del on transcript NM_006214.4 (MANE Select); coding-DNA position 603, one base deleted (G; older notation c.603delG).
Protein change: p.Asn202fs; shifts the reading frame from asparagine 202.
Molecular consequence: frameshift variant. On other transcripts: intron variant (1).
Genome position (GRCh38, 1-based): chr10:13,288,435, C deleted on the plus strand (G on the coding strand, the reverse complement: PHYH is on the minus strand); the first of 2 consecutive C bases (chr10:13,288,435-13,288,436); deleting either gives the same sequence. VCF-style (leftmost placement, unchanged base first): chr10-13288434-TC-T. GRCh37 (hg19) VCF-style: chr10-13330434-TC-T.
Other names: c.303del, p.Asn102fs (NM_001037537.2, NM_001323080.2); c.609del, p.Asn204fs (NM_001323082.2); c.309del, p.Asn104fs (NM_001323084.2); c.415-4596del (NM_001323083.2); short protein forms N102fs, N104fs, N202fs, N204fs.
Identifiers: ClinVar variation 5013108 (VCV005013108.1).